The following is an entry in ClinVar:

NM_000048.4(ASL):c.690G>A (p.Met230Ile)

Gene: ASL (argininosuccinate lyase; plus strand). Cytogenetic location: 7q11.21.
Variant type: single nucleotide variant.
Coding change: c.690G>A on transcript NM_000048.4 (MANE Select); coding-DNA position 690, G replaced by A.
Protein change: p.Met230Ile; replaces methionine 230 with isoleucine.
Molecular consequence: missense variant.
Genome position (GRCh38, 1-based): chr7:66,087,763, G>A. VCF-style: chr7-66087763-G-A. GRCh37 (hg19) VCF-style: chr7-65552750-G-A.
Other names: c.690G>A, p.Met230Ile (NM_001024943.2, NM_001024944.2); c.612G>A, p.Met204Ile (NM_001024946.2); short protein forms M230I, M204I.
Identifiers: ClinVar variation 1499842 (VCV001499842.8), dbSNP rs2115733193, ClinGen allele CA367644657.

ClinVar aggregate classification (germline): Likely pathogenic (1 of 4 stars; one submission).

Conditions:
Argininosuccinate lyase deficiency. Also called: Argininosuccinic aciduria; ARGININOSUCCINIC ACID LYASE DEFICIENCY; ASL DEFICIENCY. Identifiers: Orphanet 23, MedGen C0268547, MONDO:0008815, OMIM 207900, HP:0025630.

Submission:

Labcorp Genetics (formerly Invitae), Labcorp
Classification: Likely pathogenic for Argininosuccinate lyase deficiency. Last evaluated: 2021-12-03. Review status: criteria provided, single submitter. Criteria: Invitae Variant Classification Sherloc (09022015). Collection method: clinical testing. Allele origin: germline.
Comment: In summary, the currently available evidence indicates that the variant is pathogenic, but additional data are needed to prove that conclusively. Therefore, this variant has been classified as Likely Pathogenic. This variant disrupts the p.Met230 amino acid residue in ASL. Other variant(s) that disrupt this residue have been determined to be pathogenic (Invitae). This suggests that this residue is clinically significant, and that variants that disrupt this residue are likely to be disease-causing. Advanced modeling of protein sequence and biophysical properties (such as structural, functional, and spatial information, amino acid conservation, physicochemical variation, residue mobility, and thermodynamic stability) performed at Invitae indicates that this missense variant is expected to disrupt ASL protein function. This variant has not been reported in the literature in individuals affected with ASL-related conditions. This variant is not present in population databases (gnomAD no frequency). This sequence change replaces methionine, which is neutral and non-polar, with isoleucine, which is neutral and non-polar, at codon 230 of the ASL protein (p.Met230Ile).